The following is an entry in ClinVar:

ClinVar aggregate classification (germline): Conflicting classifications of pathogenicity. Review status: criteria provided, conflicting classifications (1 of 4 stars). 3 submissions from 3 submitters: Uncertain significance (1); Likely benign (2). Last evaluated 2025-12-16.

Conditions:
Peroxisome biogenesis disorder 8A (Zellweger). Also called: Peroxisome biogenesis disorder 8A. Identifiers: Orphanet 912, MedGen C3553959, MONDO:0013942, OMIM 614876.
PEX16-related disorder. Also called: PEX16-related condition.
Peroxisome biogenesis disorder. Identifiers: Orphanet 79189, MedGen C1832200, MONDO:0019234. Disease mechanism: loss of function.

Allele frequency attached by ClinVar (database versions not stated): gnomAD exomes below 0.00001 and 0.00001; ExAC 0.00001; gnomAD 0.00002; TOPMed 0.00002.
gnomAD v4.1: 9 of 1,613,276 alleles (0.00056%); highest among the groups gnomAD compares: Non-Finnish European, 0.00076%; no homozygotes.

Submissions (3):

Labcorp Genetics (formerly Invitae), Labcorp
Classification: Likely benign for Peroxisome biogenesis disorder. Last evaluated: 2025-12-16. Review status: criteria provided, single submitter. Criteria: Invitae Variant Classification Sherloc (09022015). Collection method: clinical testing. Allele origin: germline.

PreventionGenetics, part of Exact Sciences
Classification: Likely benign for PEX16-related condition. Last evaluated: 2025-11-16. Review status: criteria provided, single submitter. Criteria: ACMG Guidelines, 2015. Collection method: clinical testing. Allele origin: germline.
Comment: This variant is classified as likely benign based on ACMG/AMP sequence variant interpretation guidelines (Richards et al. 2015 PMID: 25741868, with internal and published modifications).

Illumina Laboratory Services, Illumina
Classification: Uncertain significance for Peroxisome biogenesis disorder 8A (Zellweger). Last evaluated: 2018-01-12. Review status: criteria provided, single submitter. Criteria: ICSL Variant Classification Criteria 13 December 2019. Collection method: clinical testing. Allele origin: germline.

NM_004813.4(PEX16):c.699C>T (p.Leu233=)

Gene: PEX16 (peroxisomal biogenesis factor 16; minus strand). Cytogenetic location: 11p11.2.
Variant type: single nucleotide variant.
Coding change: c.699C>T on transcript NM_004813.4 (MANE Select); coding-DNA position 699, C replaced by T.
Protein change: p.Leu233=; no amino-acid change (leucine 233 retained).
Molecular consequence: synonymous variant.
Genome position (GRCh38, 1-based): chr11:45,914,199, G>A on the plus strand (C>T on the coding strand, the complement: PEX16 is on the minus strand). VCF-style: chr11-45914199-G-A. GRCh37 (hg19) VCF-style: chr11-45935750-G-A.
Other names: c.699C>T, p.Leu233= (NM_057174.3).
Identifiers: ClinVar variation 304790 (VCV000304790.13), dbSNP rs781411790, ClinGen allele CA5959856.